The following is an entry in ClinVar:

ClinVar aggregate classification (germline): Uncertain significance. Review status: criteria provided, multiple submitters, no conflicts (2 of 4 stars). 2 submissions from 2 submitters: Uncertain significance (2). Last evaluated 2025-09-01.

Allele frequency attached by ClinVar (database versions not stated): gnomAD exomes 0.00002; gnomAD 0.00003; ESP Exome Variant Server 0.00008; TOPMed 0.00008; ExAC 0.00005.
gnomAD v4.1: 37 of 1,613,876 alleles (0.0023%); highest among the groups gnomAD compares: African/African-American, 0.012%; no homozygotes.

Submissions (2):

Labcorp Genetics (formerly Invitae), Labcorp
Classification: Uncertain significance. Last evaluated: 2025-09-01. Review status: criteria provided, single submitter. Criteria: Invitae Variant Classification Sherloc (09022015). Collection method: clinical testing. Allele origin: germline.
Comment: This sequence change replaces alanine, which is neutral and non-polar, with threonine, which is neutral and polar, at codon 573 of the LZTS1 protein (p.Ala573Thr). This variant is present in population databases (rs371589270, gnomAD 0.008%). This variant has not been reported in the literature in individuals affected with LZTS1-related conditions. ClinVar contains an entry for this variant (Variation ID: 2233226). Invitae Evidence Modeling of protein sequence and biophysical properties (such as structural, functional, and spatial information, amino acid conservation, physicochemical variation, residue mobility, and thermodynamic stability) indicates that this missense variant is not expected to disrupt LZTS1 protein function with a negative predictive value of 80%. In summary, the available evidence is currently insufficient to determine the role of this variant in disease. Therefore, it has been classified as a Variant of Uncertain Significance.

Ambry Genetics
Classification: Uncertain significance. Last evaluated: 2021-06-18. Review status: criteria provided, single submitter. Criteria: Ambry Variant Classification Scheme 2023. Collection method: clinical testing. Allele origin: germline.

NM_021020.5(LZTS1):c.1717G>A (p.Ala573Thr)

Gene: LZTS1 (leucine zipper tumor suppressor 1; minus strand). Cytogenetic location: 8p21.3.
Variant type: single nucleotide variant.
Coding change: c.1717G>A on transcript NM_021020.5 (MANE Select); coding-DNA position 1717, G replaced by A.
Protein change: p.Ala573Thr; replaces alanine 573 with threonine.
Molecular consequence: missense variant.
Genome position (GRCh38, 1-based): chr8:20,249,796, C>T on the plus strand (G>A on the coding strand, the complement: LZTS1 is on the minus strand). VCF-style: chr8-20249796-C-T. GRCh37 (hg19) VCF-style: chr8-20107307-C-T.
Other names: c.1717G>A, p.Ala573Thr (NM_001362884.2); short protein forms A573T.
Identifiers: ClinVar variation 2233226 (VCV002233226.5), dbSNP rs371589270, ClinGen allele CA4657204.